The following is an entry in ClinVar:

NM_182641.4(BPTF):c.1584C>T (p.His528=)

Gene: BPTF (bromodomain PHD finger transcription factor; plus strand). Cytogenetic location: 17q24.2.
Variant type: single nucleotide variant.
Coding change: c.1584C>T on transcript NM_182641.4 (MANE Select); coding-DNA position 1584, C replaced by T.
Protein change: p.His528=; no amino-acid change (histidine 528 retained).
Molecular consequence: synonymous variant.
Genome position (GRCh38, 1-based): chr17:67,866,611, C>T. VCF-style: chr17-67866611-C-T. GRCh37 (hg19) VCF-style: chr17-65862727-C-T.
Other names: c.1584C>T, p.His528= (NM_004459.7).
Identifiers: ClinVar variation 3239198 (VCV003239198.20), dbSNP rs2510286149.

ClinVar aggregate classification (germline): Likely benign. Review status: criteria provided, multiple submitters, no conflicts (2 of 4 stars). 2 submissions from 2 submitters: Likely benign (2). Last evaluated 2024-05-01.

Allele frequency attached by ClinVar (database versions not stated): gnomAD exomes below 0.00001.
gnomAD v4.1: 1 of 1,613,922 alleles (0.000062%); highest among the groups gnomAD compares: African/African-American, 0.0013%; no homozygotes.

Submissions (2):

CeGaT Center for Human Genetics Tuebingen
Classification: Likely benign. Last evaluated: 2024-05-01. Review status: criteria provided, single submitter. Criteria: CeGaT Center For Human Genetics Tuebingen Variant Classification Criteria Version 2. Collection method: clinical testing. Allele origin: germline. Affected: yes. Observed: 1 variant allele.
Comment: BPTF: PM2:Supporting, BP4, BP7

Blueprint Genetics
Classification: Likely benign. Last evaluated: 2024-01-09. Review status: criteria provided, single submitter. Criteria: ACMG Guidelines, 2015. Collection method: clinical testing. Allele origin: germline.